The following is an entry in ClinVar:

ClinVar aggregate classification (germline): Uncertain significance (1 of 4 stars; one submission).

Conditions:
Congenital contractural arachnodactyly (CCA). Also called: BEALS SYNDROME; Arthrogryposis, distal, type 9; Beals-Hecht syndrome. Identifiers: Orphanet 115, MedGen C0220668, MONDO:0007363, OMIM 121050.

Submission:

Labcorp Genetics (formerly Invitae), Labcorp
Classification: Uncertain significance for Congenital contractural arachnodactyly. Last evaluated: 2024-08-05. Review status: criteria provided, single submitter. Criteria: Invitae Variant Classification Sherloc (09022015). Collection method: clinical testing. Allele origin: germline.
Comment: This sequence change replaces glutamic acid, which is acidic and polar, with valine, which is neutral and non-polar, at codon 1691 of the FBN2 protein (p.Glu1691Val). This variant is not present in population databases (gnomAD no frequency). This variant has not been reported in the literature in individuals affected with FBN2-related conditions. An algorithm developed to predict the effect of missense changes on protein structure and function (PolyPhen-2) suggests that this variant is likely to be disruptive. In summary, the available evidence is currently insufficient to determine the role of this variant in disease. Therefore, it has been classified as a Variant of Uncertain Significance.

NM_001999.4(FBN2):c.5072A>T (p.Glu1691Val)

Gene: FBN2 (fibrillin 2; minus strand). Cytogenetic location: 5q23.3.
Variant type: single nucleotide variant.
Coding change: c.5072A>T on transcript NM_001999.4 (MANE Select); coding-DNA position 5072, A replaced by T.
Protein change: p.Glu1691Val; replaces glutamic acid 1691 with valine.
Molecular consequence: missense variant.
Genome position (GRCh38, 1-based): chr5:128,311,302, T>A on the plus strand (A>T on the coding strand, the complement: FBN2 is on the minus strand). VCF-style: chr5-128311302-T-A. GRCh37 (hg19) VCF-style: chr5-127646994-T-A.
Other names: short protein forms E1691V.
Identifiers: ClinVar variation 3660410 (VCV003660410.2).